The following is an entry in ClinVar:

NM_001384140.1(PCDH15):c.3788dup (p.Ile1264fs)

Gene: PCDH15 (protocadherin related 15; minus strand). Cytogenetic location: 10q21.1.
Variant type: Duplication.
Coding change: c.3788dup on transcript NM_001384140.1 (MANE Select); coding-DNA position 3788, one base duplicated (A; older notation c.3788dupA).
Protein change: p.Ile1264fs; shifts the reading frame from isoleucine 1264.
Molecular consequence: frameshift variant.
Genome position (GRCh38, 1-based): chr10:53,857,193, T duplicated on the plus strand (A on the coding strand, the reverse complement: PCDH15 is on the minus strand); the first of 7 consecutive T bases (chr10:53,857,193-53,857,199); duplicating any one gives the same sequence. VCF-style (leftmost placement, unchanged base first): chr10-53857192-C-CT. GRCh37 (hg19) VCF-style: chr10-55616952-C-CT.
Other names: c.3788dup, p.Ile1264fs (NM_001142770.3, NM_001142772.2, NM_001354420.2 and 4 more transcripts); c.3803dup, p.Ile1269fs (NM_001142771.2, NM_001142763.2); c.3722dup, p.Ile1242fs (NM_001142773.2, NM_001354404.2, NM_001142768.2); c.3809dup, p.Ile1271fs (NM_001354411.2); c.3575dup, p.Ile1193fs (NM_001142765.2); c.3677dup, p.Ile1227fs (NM_001142767.2); c.3818dup, p.Ile1276Aspfs (NM_001142769.4); short protein forms I1264fs, I1242fs, I1271fs, I1276fs, I1193fs, I1227fs, I1269fs.
Identifiers: ClinVar variation 2831846 (VCV002831846.4), dbSNP rs2493175179, ClinGen allele CA2609212376.

ClinVar aggregate classification (germline): Pathogenic. Review status: criteria provided, multiple submitters, no conflicts (2 of 4 stars). 2 submissions from 2 submitters: Pathogenic (2). Last evaluated 2023-10-03.

Conditions:
Usher syndrome type 1F (USH1F). Also called: USHER SYNDROME, TYPE IF. Identifiers: Orphanet 231169, Orphanet 886, MedGen C1865885, MONDO:0011186, OMIM 602083.

Submissions (2):

Myriad Genetics, Inc.
Classification: Pathogenic for Usher syndrome type 1F. Last evaluated: 2023-10-03. Review status: criteria provided, single submitter. Criteria: Myriad Autosomal Dominant, Autosomal Recessive and X-Linked Classification Criteria (2023). Collection method: clinical testing. Allele origin: unknown.
Comment: NM_033056.3(PCDH15):c.3788dupA(I1264Dfs*44) is expected to be pathogenic in the context of PCDH15-related disorders. This variant is predicted to lead to an abnormal or absent protein product due to the creation of a premature termination codon in PCDH15, a gene where loss-of-function variants are known to be pathogenic. Please note: this variant was assessed in the context of healthy population screening.

Labcorp Genetics (formerly Invitae), Labcorp
Classification: Pathogenic. Last evaluated: 2023-01-25. Review status: criteria provided, single submitter. Criteria: Invitae Variant Classification Sherloc (09022015). Collection method: clinical testing. Allele origin: germline.
Comment: This sequence change creates a premature translational stop signal (p.Ile1264Aspfs*44) in the PCDH15 gene. It is expected to result in an absent or disrupted protein product. Loss-of-function variants in PCDH15 are known to be pathogenic (PMID: 11398101, 11487575, 14570705). This variant is not present in population databases (gnomAD no frequency). For these reasons, this variant has been classified as Pathogenic. This variant has not been reported in the literature in individuals affected with PCDH15-related conditions.

Literature cited by the submitters: PubMed 11398101 (cited by Labcorp Genetics (formerly Invitae), Labcorp); PubMed 11487575 (cited by Labcorp Genetics (formerly Invitae), Labcorp); PubMed 14570705 (cited by Labcorp Genetics (formerly Invitae), Labcorp).